The following is an entry in ClinVar:

NM_177438.3(DICER1):c.2490G>A (p.Glu830=)

Gene: DICER1 (dicer 1, ribonuclease III; minus strand). Cytogenetic location: 14q32.13.
Variant type: single nucleotide variant.
Coding change: c.2490G>A on transcript NM_177438.3 (MANE Select); coding-DNA position 2490, G replaced by A.
Protein change: p.Glu830=; no amino-acid change (glutamic acid 830 retained).
Molecular consequence: synonymous variant.
Genome position (GRCh38, 1-based): chr14:95,108,040, C>T on the plus strand (G>A on the coding strand, the complement: DICER1 is on the minus strand). VCF-style: chr14-95108040-C-T. GRCh37 (hg19) VCF-style: chr14-95574377-C-T.
Other names: c.2490G>A, p.Glu830= (NM_001195573.1, NM_001271282.3, NM_001291628.2 and 1 more transcripts).
Identifiers: ClinVar variation 739997 (VCV000739997.15), dbSNP rs139444980, ClinGen allele CA7331230.

ClinVar aggregate classification (germline): Benign/Likely benign. Review status: criteria provided, multiple submitters, no conflicts (2 of 4 stars). 3 submissions from 3 submitters: Benign (1); Likely benign (2). Last evaluated 2026-04-16.

Conditions:
Hereditary cancer-predisposing syndrome. Also called: Tumor predisposition; Hereditary Cancer Syndrome; Hereditary neoplastic syndrome; Neoplastic Syndromes, Hereditary. Identifiers: Orphanet 140162, MedGen C0027672, MeSH D009386, MONDO:0015356.
DICER1-related tumor predisposition. Also called: DICER1 syndrome; DICER1-related pleuropulmonary blastoma cancer predisposition syndrome. Identifiers: Orphanet 284343, MedGen C3839822, MONDO:0100216.

Allele frequency attached by ClinVar (database versions not stated): gnomAD 0.00001; gnomAD exomes 0.00001 and below 0.00001; 1000 Genomes Project 0.00020; TOPMed below 0.00001; ExAC 0.00001; 1000 Genomes Project 30x 0.00016.
gnomAD v4.1: 3 of 1,613,978 alleles (0.00019%); highest among the groups gnomAD compares: African/African-American, 0.0027%; no homozygotes.

Submissions (3):

Myriad Genetics, Inc.
Classification: Benign for DICER1-related tumor predisposition. Last evaluated: 2026-04-16. Review status: criteria provided, single submitter. Criteria: Myriad Autosomal Dominant, Autosomal Recessive and X-Linked Classification Criteria (2023). Collection method: clinical testing. Allele origin: unknown.
Comment: This variant is considered benign. This variant is a silent/synonymous amino acid change and it is not expected to impact splicing.

Labcorp Genetics (formerly Invitae), Labcorp
Classification: Likely benign for DICER1-related tumor predisposition. Last evaluated: 2025-11-23. Review status: criteria provided, single submitter. Criteria: Invitae Variant Classification Sherloc (09022015). Collection method: clinical testing. Allele origin: germline.

Ambry Genetics
Classification: Likely benign for Hereditary cancer-predisposing syndrome. Last evaluated: 2022-05-12. Review status: criteria provided, single submitter. Criteria: Ambry Variant Classification Scheme 2023. Collection method: clinical testing. Allele origin: germline.